The following is an entry in ClinVar:

ClinVar aggregate classification (germline): Uncertain significance (1 of 4 stars; one submission).

Submission:

GeneDx
Classification: Uncertain significance. Last evaluated: 2024-06-27. Review status: criteria provided, single submitter. Criteria: GeneDx Variant Classification Process June 2021. Collection method: clinical testing. Allele origin: germline. Affected: yes.
Comment: Not observed at significant frequency in large population cohorts (gnomAD); In silico analysis indicates that this missense variant does not alter protein structure/function; Has not been previously published as pathogenic or benign to our knowledge.

NM_001348716.2(KDM6B):c.3427G>C (p.Val1143Leu)

Gene: KDM6B (lysine demethylase 6B; plus strand). Cytogenetic location: 17p13.1.
Variant type: single nucleotide variant.
Coding change: c.3427G>C on transcript NM_001348716.2 (MANE Select); coding-DNA position 3427, G replaced by C.
Protein change: p.Val1143Leu; replaces valine 1143 with leucine.
Molecular consequence: missense variant.
Genome position (GRCh38, 1-based): chr17:7,849,715, G>C. VCF-style: chr17-7849715-G-C. GRCh37 (hg19) VCF-style: chr17-7753033-G-C.
Other names: c.3427G>C, p.Val1143Leu (NM_001080424.2); short protein forms V1143L.
Identifiers: ClinVar variation 3392947 (VCV003392947.1).